The following is an entry in ClinVar:

ClinVar aggregate classification (germline): Uncertain significance. Review status: criteria provided, multiple submitters, no conflicts (2 of 4 stars). 2 submissions from 2 submitters: Uncertain significance (2). Last evaluated 2024-07-02.

Conditions:
Inborn genetic diseases. Identifiers: MedGen C0950123, MeSH D030342.

Allele frequency attached by ClinVar (database versions not stated): gnomAD 0.00001; ExAC 0.00002; TOPMed 0.00003.
gnomAD v4.1: 60 of 1,613,958 alleles (0.0037%); highest among the groups gnomAD compares: Non-Finnish European, 0.0051%; no homozygotes.

Submissions (2):

Ambry Genetics
Classification: Uncertain significance for Inborn genetic diseases. Last evaluated: 2024-07-02. Review status: criteria provided, single submitter. Criteria: Ambry Variant Classification Scheme 2023. Collection method: clinical testing. Allele origin: germline.

Labcorp Genetics (formerly Invitae), Labcorp
Classification: Uncertain significance. Last evaluated: 2022-08-15. Review status: criteria provided, single submitter. Criteria: Invitae Variant Classification Sherloc (09022015). Collection method: clinical testing. Allele origin: germline.
Comment: This sequence change replaces leucine, which is neutral and non-polar, with valine, which is neutral and non-polar, at codon 479 of the POP1 protein (p.Leu479Val). This variant is present in population databases (rs756434185, gnomAD 0.009%). This variant has not been reported in the literature in individuals affected with POP1-related conditions. Algorithms developed to predict the effect of missense changes on protein structure and function output the following: SIFT: "Tolerated"; PolyPhen-2: "Benign"; Align-GVGD: "Class C0". The valine amino acid residue is found in multiple mammalian species, which suggests that this missense change does not adversely affect protein function. In summary, the available evidence is currently insufficient to determine the role of this variant in disease. Therefore, it has been classified as a Variant of Uncertain Significance.

NM_001145860.2(POP1):c.1435C>G (p.Leu479Val)

Gene: POP1 (POP1 homolog, ribonuclease P/MRP subunit; plus strand). Cytogenetic location: 8q22.2.
Variant type: single nucleotide variant.
Coding change: c.1435C>G on transcript NM_001145860.2 (MANE Select); coding-DNA position 1435, C replaced by G.
Protein change: p.Leu479Val; replaces leucine 479 with valine.
Molecular consequence: missense variant.
Genome position (GRCh38, 1-based): chr8:98,140,150, C>G. VCF-style: chr8-98140150-C-G. GRCh37 (hg19) VCF-style: chr8-99152378-C-G.
Other names: c.1435C>G, p.Leu479Val (NM_001145861.2, NM_015029.3); c.1435C>G (NM_015029.2); short protein forms L479V.
Identifiers: ClinVar variation 2139154 (VCV002139154.2), dbSNP rs756434185, ClinGen allele CA4820576.